The following is an entry in ClinVar:

NM_002878.4(RAD51D):c.739-2A>T

Genes: RAD51D (RAD51 paralog D; minus strand), RAD51L3-RFFL (RAD51L3-RFFL readthrough; minus strand). Cytogenetic location: 17q12.
Variant type: single nucleotide variant.
Coding change: c.739-2A>T on transcript NM_002878.4 (MANE Select); the canonical splice acceptor site of the intron before coding-DNA position 739, A replaced by T.
Molecular consequence: splice acceptor variant.
Genome position (GRCh38, 1-based): chr17:35,101,367, T>A on the plus strand (A>T on the coding strand, the complement: RAD51D is on the minus strand). VCF-style: chr17-35101367-T-A. GRCh37 (hg19) VCF-style: chr17-33428386-T-A.
Other names: c.403-2A>T (NM_133629.3); c.799-2A>T (NM_001142571.2).
Identifiers: ClinVar variation 827013 (VCV000827013.4), dbSNP rs1597856297, ClinGen allele CA399086997.

ClinVar aggregate classification (germline): Likely pathogenic (1 of 4 stars; one submission).

Conditions:
Hereditary cancer-predisposing syndrome. Also called: Neoplastic Syndromes, Hereditary; Tumor predisposition; Hereditary neoplastic syndrome; Hereditary Cancer Syndrome. Identifiers: Orphanet 140162, MedGen C0027672, MeSH D009386, MONDO:0015356.

Submission:

Ambry Genetics
Classification: Likely pathogenic for Hereditary cancer-predisposing syndrome. Last evaluated: 2019-10-23. Review status: criteria provided, single submitter. Criteria: Ambry Variant Classification Scheme 2023. Collection method: clinical testing. Allele origin: germline.
Comment: The c.739-2A>T intronic variant results from an A to T substitution two nucleotides upstream from coding exon 9 in the RAD51D gene. This nucleotide position is highly conserved in available vertebrate species. Using the BDGP and ESEfinder splice site prediction tools, this alteration is predicted to abolish the native splice acceptor site; however, direct evidence is insufficient at this time (Ambry internal data). Alterations that disrupt the canonical splice site are expected to cause aberrant splicing, resulting in an abnormal protein or a transcript that is subject to nonsense-mediated mRNA decay. As such, this alteration is classified as likely pathogenic.